The following is an entry in ClinVar:

ClinVar aggregate classification (germline): Uncertain significance. Review status: criteria provided, multiple submitters, no conflicts (2 of 4 stars). 2 submissions from 2 submitters: Uncertain significance (2). Last evaluated 2026-05-26.

Conditions:
Acute myeloid leukemia (AML). Also called: Acute myeloid leukemia, adult; AML adult; Acute non-lymphocytic leukemia; Acute granulocytic leukemia; Leukemia, acute myeloid, somatic; Leukemia, acute myelogenous, somatic. Identifiers: Orphanet 519, MedGen C0023467, MeSH D015470, MONDO:0018874, OMIM 601626, HP:0004808. Disease mechanism: Constitutively activated FLT3.
Inborn genetic diseases. Identifiers: MedGen C0950123, MeSH D030342.

Submissions (2):

Ambry Genetics
Classification: Uncertain significance for Inborn genetic diseases. Last evaluated: 2026-05-26. Review status: criteria provided, single submitter. Criteria: Ambry Variant Classification Scheme 2023. Collection method: clinical testing. Allele origin: germline.
Comment: The p.A71V variant (also known as c.212C>T), located in coding exon 1 of the CEBPA gene, results from a C to T substitution at nucleotide position 212. The alanine at codon 71 is replaced by valine, an amino acid with similar properties. This amino acid position is conserved. In addition, this alteration is predicted to be tolerated by in silico analysis. Based on the available evidence, the clinical significance of this variant remains unclear.

Labcorp Genetics (formerly Invitae), Labcorp
Classification: Uncertain significance for Acute myeloid leukemia. Last evaluated: 2023-01-13. Review status: criteria provided, single submitter. Criteria: Invitae Variant Classification Sherloc (09022015). Collection method: clinical testing. Allele origin: germline.
Comment: In summary, the available evidence is currently insufficient to determine the role of this variant in disease. Therefore, it has been classified as a Variant of Uncertain Significance. Advanced modeling of protein sequence and biophysical properties (such as structural, functional, and spatial information, amino acid conservation, physicochemical variation, residue mobility, and thermodynamic stability) performed at Invitae indicates that this missense variant is not expected to disrupt CEBPA protein function. This variant has not been reported in the literature in individuals affected with CEBPA-related conditions. This variant is not present in population databases (gnomAD no frequency). This sequence change replaces alanine, which is neutral and non-polar, with valine, which is neutral and non-polar, at codon 71 of the CEBPA protein (p.Ala71Val).

NM_004364.5(CEBPA):c.212C>T (p.Ala71Val)

Gene: CEBPA (CCAAT enhancer binding protein alpha; minus strand). Cytogenetic location: 19q13.11.
Variant type: single nucleotide variant.
Coding change: c.212C>T on transcript NM_004364.5 (MANE Select); coding-DNA position 212, C replaced by T.
Protein change: p.Ala71Val; replaces alanine 71 with valine.
Molecular consequence: missense variant. On other transcripts: 5 prime UTR variant (1).
Genome position (GRCh38, 1-based): chr19:33,302,203, G>A on the plus strand (C>T on the coding strand, the complement: CEBPA is on the minus strand). VCF-style: chr19-33302203-G-A. GRCh37 (hg19) VCF-style: chr19-33793109-G-A.
Other names: c.-146C>T (NM_001285829.2); c.317C>T, p.Ala106Val (NM_001287424.2); c.170C>T, p.Ala57Val (NM_001287435.2); short protein forms A71V, A106V, A57V.
Identifiers: ClinVar variation 2828028 (VCV002828028.4), dbSNP rs2145263731, ClinGen allele CA405275434.
Genomic context (GRCh38, chr19:33,302,203, plus strand): 5'-GCCTTCTCCTGCTGCCGGCTGTGCTGGAACAGGTCGGCCAGGAACTCGTCGTTGAAGGCG[G>A]CCGGGTCGATGTAGGCGCTGATGTCGATGGACGTCTCGTGCTCGCAGATGCCGCCCAGCG-3'
Protein context (NP_004355.2, residues 61-81): SIDISAYIDP[Ala71Val]AFNDEFLADL